The following is an entry in ClinVar:

NM_007294.4(BRCA1):c.3152_3172dup (p.Ser1057_Ile1058insThrAsnGluValGlySerSer)

Gene: BRCA1 (BRCA1 DNA repair associated; minus strand). Cytogenetic location: 17q21.31.
Variant type: Duplication.
Coding change: c.3152_3172dup on transcript NM_007294.4 (MANE Select); coding-DNA positions 3152 to 3172, 21 bases duplicated (CTAATGAAGTGGGCTCCAGTA).
Protein change: p.Ser1057_Ile1058insThrAsnGluValGlySerSer.
Molecular consequence: inframe insertion. On other transcripts: intron variant (137), inframe indel (1).
Genome position (GRCh38, 1-based): chr17:43,092,359-43,092,379, TACTGGAGCCCACTTCATTAG duplicated on the plus strand (CTAATGAAGTGGGCTCCAGTA on the coding strand, the reverse complement: BRCA1 is on the minus strand); duplicating any 21 consecutive bases within chr17:43,092,359-43,092,386 gives the same sequence; the c. name uses the placement nearest the transcript's 3' end. VCF-style (leftmost placement, unchanged base first): chr17-43092358-A-ATACTGGAGCCCACTTCATTAG. GRCh37 (hg19) VCF-style: chr17-41244375-A-ATACTGGAGCCCACTTCATTAG.
Other names: c.3011_3031dup, p.Ser1010_Ile1011insThrAsnGluValGlySerSer (NM_001407733.1, NM_001407734.1, NM_001407735.1 and 29 more transcripts); c.2939_2959dup, p.Ser986_Ile987insThrAsnGluValGlySerSer (NM_001407571.1, NM_001407853.1, NM_001407894.1 and 9 more transcripts); c.3152_3172dup, p.Ser1057_Ile1058insThrAsnGluValGlySerSer (NM_001407581.1, NM_001407582.1, NM_001407585.1 and 30 more transcripts); c.3008_3028dup, p.Ser1009_Ile1010insThrAsnGluValGlySerSer (NM_001407740.1, NM_001407741.1, NM_001407743.1 and 20 more transcripts); c.3149_3169dup, p.Ser1056_Ile1057insThrAsnGluValGlySerSer (NM_001407590.1, NM_001407587.1, NM_001407591.1 and 22 more transcripts); c.2951_2971dup, p.Ser990_Ile991insThrAsnGluValGlySerSer (NM_001407862.1); c.3029_3049dup, p.Ser1016_Ile1017insThrAsnGluValGlySerSer (NM_001407863.1, NM_001407648.1, NM_001407919.1 and 19 more transcripts); c.2948_2968dup, p.Ser989_Ile990insThrAsnGluValGlySerSer (NM_001407874.1, NM_001407875.1); and 42 more.
Identifiers: ClinVar variation 3825291 (VCV003825291.1).

ClinVar aggregate classification (germline): Uncertain significance (1 of 4 stars; one submission).

Conditions:
Hereditary cancer-predisposing syndrome. Also called: Hereditary neoplastic syndrome; Neoplastic Syndromes, Hereditary; Tumor predisposition; Hereditary Cancer Syndrome. Identifiers: Orphanet 140162, MedGen C0027672, MeSH D009386, MONDO:0015356.

Submission:

Ambry Genetics
Classification: Uncertain significance for Hereditary cancer-predisposing syndrome. Last evaluated: 2025-01-20. Review status: criteria provided, single submitter. Criteria: Ambry Variant Classification Scheme 2023. Collection method: clinical testing. Allele origin: germline.
Comment: The c.3152_3172dup21 variant (also known as p.T1051_S1057dup), located in coding exon 9 of the BRCA1 gene, results from an in-frame duplication of 21 nucleotides at nucleotide positions 3152 to 3172. This results in the duplication of 7 extra residues (TNEVGSS) between codons 1051 and 1057. In addition, this alteration is predicted to be deleterious by in silico analysis (Choi Y et al. PLoS ONE. 2012; 7(10):e46688). Based on the available evidence, the clinical significance of this variant remains unclear.